The following is an entry in ClinVar:

NM_000540.3(RYR1):c.11973C>G (p.Phe3991Leu)

Gene: RYR1 (ryanodine receptor 1; plus strand). Cytogenetic location: 19q13.2.
Variant type: single nucleotide variant.
Coding change: c.11973C>G on transcript NM_000540.3 (MANE Select); coding-DNA position 11973, C replaced by G.
Protein change: p.Phe3991Leu; replaces phenylalanine 3991 with leucine.
Molecular consequence: missense variant.
Genome position (GRCh38, 1-based): chr19:38,543,836, C>G. VCF-style: chr19-38543836-C-G. GRCh37 (hg19) VCF-style: chr19-39034476-C-G.
Other names: c.11958C>G, p.Phe3986Leu (NM_001042723.2); short protein forms F3986L, F3991L.
Identifiers: ClinVar variation 3385573 (VCV003385573.2).

ClinVar aggregate classification (germline): Uncertain significance. Review status: criteria provided, multiple submitters, no conflicts (2 of 4 stars). 2 submissions from 2 submitters: Uncertain significance (2). Last evaluated 2024-08-13.

Conditions:
Malignant hyperthermia, susceptibility to, 1 (MHS1). Also called: Anesthesia related hyperthermia; Malignant hyperpyrexia; Fulminating hyperpyrexia; Pharmacogenic myopathy; Malignant hyperthermia suceptibility 1; RYR1-Related Malignant Hyperthermia Susceptibility. Identifiers: Orphanet 423, MedGen C2930980, MONDO:0007783, OMIM 145600.

Submissions (2):

All of Us Research Program, National Institutes of Health
Classification: Uncertain significance for Malignant hyperthermia, susceptibility to, 1. Last evaluated: 2024-08-13. Review status: criteria provided, single submitter. Criteria: ACMG Guidelines, 2015. Collection method: clinical testing. Allele origin: germline. Inheritance: Autosomal dominant inheritance. Observed: 1 variant allele, 1 heterozygote.
Comment: This missense variant replaces phenylalanine with leucine at codon 3991 of the RYR1 protein. Computational prediction suggests that this variant may have deleterious impact on protein structure and function (internally defined REVEL score threshold >= 0.7, PMID: 27666373). To our knowledge, functional studies have not been reported for this variant. This variant has not been reported in individuals affected with RYR1-related disorders in the literature. This variant has not been identified in the general population by the Genome Aggregation Database (gnomAD). The available evidence is insufficient to determine the role of this variant in disease conclusively. Therefore, this variant is classified as a Variant of Uncertain Significance.

This study involves interpretation of variants in research participants for the purpose of population health screening. Participant phenotype was not available at the time of variant classification. Additional details can be found in publication PMID: 35346344, PMCID: PMC8962531

Color Diagnostics, LLC DBA Color Health
Classification: Uncertain significance for Malignant hyperthermia, susceptibility to, 1. Last evaluated: 2024-04-10. Review status: criteria provided, single submitter. Criteria: ACMG Guidelines, 2015. Collection method: clinical testing. Allele origin: germline.
Comment: This missense variant replaces phenylalanine with leucine at codon 3991 of the RYR1 protein. Computational prediction suggests that this variant may have deleterious impact on protein structure and function (internally defined REVEL score threshold >= 0.7, PMID: 27666373). To our knowledge, functional studies have not been reported for this variant. This variant has not been reported in individuals affected with RYR1-related disorders in the literature. This variant has not been identified in the general population by the Genome Aggregation Database (gnomAD). The available evidence is insufficient to determine the role of this variant in disease conclusively. Therefore, this variant is classified as a Variant of Uncertain Significance.